The following is an entry in ClinVar:

ClinVar aggregate classification (germline): Uncertain significance. Review status: criteria provided, multiple submitters, no conflicts (2 of 4 stars). 2 submissions from 2 submitters: Uncertain significance (2). Last evaluated 2022-07-15.

Conditions:
Inborn genetic diseases. Identifiers: MedGen C0950123, MeSH D030342.

Allele frequency attached by ClinVar (database versions not stated): ExAC 0.00014; ESP Exome Variant Server 0.00023; gnomAD 0.00035 and 0.00036; TOPMed 0.00052.
gnomAD v4.1: 343 of 1,606,870 alleles (0.021%); highest among the groups gnomAD compares: Admixed American, 0.13%; 1 homozygote.

Submissions (2):

Labcorp Genetics (formerly Invitae), Labcorp
Classification: Uncertain significance. Last evaluated: 2022-07-15. Review status: criteria provided, single submitter. Criteria: Invitae Variant Classification Sherloc (09022015). Collection method: clinical testing. Allele origin: germline.
Comment: This sequence change replaces arginine, which is basic and polar, with glycine, which is neutral and non-polar, at codon 79 of the DDRGK1 protein (p.Arg79Gly). This variant is present in population databases (rs200427055, gnomAD 0.1%), including at least one homozygous and/or hemizygous individual. This variant has not been reported in the literature in individuals affected with DDRGK1-related conditions. ClinVar contains an entry for this variant (Variation ID: 1404467). Algorithms developed to predict the effect of missense changes on protein structure and function are either unavailable or do not agree on the potential impact of this missense change (SIFT: "Not Available"; PolyPhen-2: "Benign"; Align-GVGD: "Not Available"). In summary, the available evidence is currently insufficient to determine the role of this variant in disease. Therefore, it has been classified as a Variant of Uncertain Significance.

Ambry Genetics
Classification: Uncertain significance for Inborn genetic diseases. Last evaluated: 2021-09-16. Review status: criteria provided, single submitter. Criteria: Ambry Variant Classification Scheme 2023. Collection method: clinical testing. Allele origin: germline.

NM_023935.3(DDRGK1):c.235C>G (p.Arg79Gly)

Gene: DDRGK1 (DDRGK domain containing 1; minus strand). Cytogenetic location: 20p13.
Variant type: single nucleotide variant.
Coding change: c.235C>G on transcript NM_023935.3 (MANE Select); coding-DNA position 235, C replaced by G.
Protein change: p.Arg79Gly; replaces arginine 79 with glycine.
Molecular consequence: missense variant.
Genome position (GRCh38, 1-based): chr20:3,203,273, G>C on the plus strand (C>G on the coding strand, the complement: DDRGK1 is on the minus strand). VCF-style: chr20-3203273-G-C. GRCh37 (hg19) VCF-style: chr20-3183919-G-C.
Other names: c.235C>G (NM_023935.1); short protein forms R79G.
Identifiers: ClinVar variation 1404467 (VCV001404467.4), dbSNP rs200427055, ClinGen allele CA9740996.